The following is an entry in ClinVar:

NM_022124.6(CDH23):c.8053G>T (p.Ala2685Ser)

Genes: CDH23 (cadherin related 23; plus strand), LOC111982869 (Sharpr-MPRA regulatory region 2121; plus strand). Cytogenetic location: 10q22.1.
Variant type: single nucleotide variant.
Coding change: c.8053G>T on transcript NM_022124.6 (MANE Select); coding-DNA position 8053, G replaced by T.
Protein change: p.Ala2685Ser; replaces alanine 2685 with serine.
Molecular consequence: missense variant.
Genome position (GRCh38, 1-based): chr10:71,805,986, G>T. VCF-style: chr10-71805986-G-T. GRCh37 (hg19) VCF-style: chr10-73565743-G-T.
Other names: c.1333G>T, p.Ala445Ser (NM_001171933.1, NM_001171934.1); short protein forms A445S, A2685S.
Identifiers: ClinVar variation 813028 (VCV000813028.3), dbSNP rs1362644811, ClinGen allele CA377162243.
Genomic context (GRCh38, chr10:71,805,986, plus strand): 5'-ATCATCGACCCAATCAGCGGCCTCATCCAGACTGCTCAGCGCCTGGACCGCGAGTCGCAG[G>T]CGGTGTACAGCGTAAGGGCGGGGCCCGGTGCGAGGGGCGGGGTCTGGGGCGGGGCTTTCT-3'
Protein context (NP_071407.4, residues 2675-2695): TAQRLDRESQ[Ala2685Ser]VYSLILVASD

ClinVar aggregate classification (germline): Conflicting classifications of pathogenicity. Review status: criteria provided, conflicting classifications (1 of 4 stars). 2 submissions from 2 submitters: Pathogenic (1); Uncertain significance (1). Last evaluated 2024-03-22.

Conditions:
Usher syndrome type 2. Also called: Usher Syndrome Type II. Identifiers: Orphanet 231178, MedGen C0339534, MONDO:0016484.

Submissions (2):

Women's Health and Genetics/Laboratory Corporation of America, LabCorp
Classification: Uncertain significance. Last evaluated: 2024-03-22. Review status: criteria provided, single submitter. Criteria: LabCorp Variant Classification Summary - May 2015. Collection method: clinical testing. Allele origin: germline.
Comment: Variant summary: CDH23 c.8053G>T (p.Ala2685Ser) results in a conservative amino acid change in the encoded protein sequence. Three of five in-silico tools predict a benign effect of the variant on protein function. The variant was absent in 240374 control chromosomes. c.8053G>T has been reported in the literature in at least one homozygous individual affected with Usher Syndrome Type II (e.g. Weisschuh_2020). These data indicate that the variant may be associated with disease. To our knowledge, no experimental evidence demonstrating an impact on protein function has been reported. The following publication has been ascertained in the context of this evaluation (PMID: 32531858). ClinVar contains an entry for this variant (Variation ID: 813028). Based on the evidence outlined above, the variant was classified as VUS-possibly pathogenic.

Molecular Genetics Laboratory, Institute for Ophthalmic Research
Classification: Pathogenic for Usher syndrome type 2. Last evaluated: 2020-01-09. Review status: criteria provided, single submitter. Criteria: ACMG Guidelines, 2015. Collection method: research. Allele origin: germline. Affected: yes.

Literature cited by the submitters: PubMed 32531858 (cited by Women's Health and Genetics/Laboratory Corporation of America, LabCorp).